The following is an entry in ClinVar:

ClinVar aggregate classification (germline): Uncertain significance (1 of 4 stars; one submission).

Conditions:
Bethlem myopathy 1A. Also called: MYOPATHY, BENIGN CONGENITAL, WITH CONTRACTURES; Bethlem myopathy 1; Bethlem Muscular Dystrophy. Identifiers: Orphanet 610, MedGen CN029274, MONDO:0024530, OMIM 158810.

Submission:

Labcorp Genetics (formerly Invitae), Labcorp
Classification: Uncertain significance for Bethlem myopathy 1A. Last evaluated: 2022-06-21. Review status: criteria provided, single submitter. Criteria: Invitae Variant Classification Sherloc (09022015). Collection method: clinical testing. Allele origin: germline.
Comment: This variant has not been reported in the literature in individuals affected with COL6A3-related conditions. This variant is not present in population databases (gnomAD no frequency). This sequence change replaces glycine, which is neutral and non-polar, with arginine, which is basic and polar, at codon 2131 of the COL6A3 protein (p.Gly2131Arg). Advanced modeling of protein sequence and biophysical properties (such as structural, functional, and spatial information, amino acid conservation, physicochemical variation, residue mobility, and thermodynamic stability) performed at Invitae indicates that this missense variant is expected to disrupt COL6A3 protein function. In summary, the available evidence is currently insufficient to determine the role of this variant in disease. Therefore, it has been classified as a Variant of Uncertain Significance. This variant disrupts the triple helix domain of COL6A3. Glycine residues within the Gly-Xaa-Yaa repeats of the triple helix domain are required for the structure and stability of fibrillar collagens (PMID: 7695699, 8218237, 19344236). In COL6A3, missense variants at these glycine residues are significantly enriched in individuals with autosomal dominant disease (PMID: 15689448, 24038877) compared to the general population (ExAC).

Literature cited by the submitters: PubMed 7695699; PubMed 8218237; PubMed 19344236; PubMed 15689448; PubMed 24038877.

NM_004369.4(COL6A3):c.6391G>A (p.Gly2131Arg)

Gene: COL6A3 (collagen type VI alpha 3 chain; minus strand). Cytogenetic location: 2q37.3.
Variant type: single nucleotide variant.
Coding change: c.6391G>A on transcript NM_004369.4 (MANE Select); coding-DNA position 6391, G replaced by A.
Protein change: p.Gly2131Arg; replaces glycine 2131 with arginine.
Molecular consequence: missense variant.
Genome position (GRCh38, 1-based): chr2:237,359,052, C>T on the plus strand (G>A on the coding strand, the complement: COL6A3 is on the minus strand). VCF-style: chr2-237359052-C-T. GRCh37 (hg19) VCF-style: chr2-238267695-C-T.
Other names: c.4570G>A, p.Gly1524Arg (NM_057166.5); c.5773G>A, p.Gly1925Arg (NM_057167.4); short protein forms G1925R, G1524R, G2131R.
Identifiers: ClinVar variation 2008396 (VCV002008396.4), dbSNP rs2469858339, ClinGen allele CA351215651.